The following is an entry in ClinVar:

ClinVar aggregate classification (germline): Pathogenic (1 of 4 stars; one submission).

Conditions:
Retinoblastoma (RB1). Also called: RETINOBLASTOMA, SOMATIC. Identifiers: Orphanet 790, MedGen C0035335, MeSH D012175, MONDO:0008380, OMIM 180200, HP:0009919. Disease mechanism: loss of function. Inheritance: Both sporadic and heritable forms are tested..

Submission:

Labcorp Genetics (formerly Invitae), Labcorp
Classification: Pathogenic for Retinoblastoma. Last evaluated: 2018-08-11. Review status: criteria provided, single submitter. Criteria: Invitae Variant Classification Sherloc (09022015). Collection method: clinical testing. Allele origin: germline.
Comment: This variant is a gross deletion of the genomic region encompassing exons 1-2 of the RB1 gene, which includes the initiator codon. The 5' end of this event is unknown as it extends beyond the assayed region for this gene and therefore may encompass additional genes. The 3' boundary is likely confined to intron 2 of the RB1 gene. This is expected to result in an absent or disrupted protein product. Similar exon 1-2 has been observed in a family affected with retinoblastoma (PMID:Â¬â€ 24810223). Loss-of-function variants in RB1 are known to be pathogenic (PMID: 17096365). For these reasons, this variant has been classified as Pathogenic.

NC_000013.11:g.(?_48303903)_(48307416_?)del

Genes: RB1 (RB transcriptional corepressor 1; plus strand), LOC130009754 (ATAC-STARR-seq lymphoblastoid active region 7726; plus strand), LOC130009755 (ATAC-STARR-seq lymphoblastoid active region 7727; plus strand). Cytogenetic location: 13q14.2.
Variant type: Deletion.
Identifiers: ClinVar variation 645883 (VCV000645883.1).